The following is an entry in ClinVar:

ClinVar aggregate classification (germline): Likely benign. Review status: criteria provided, multiple submitters, no conflicts (2 of 4 stars). 3 submissions from 3 submitters: Likely benign (3). Last evaluated 2023-06-01.

Allele frequency attached by ClinVar (database versions not stated): 1000 Genomes Project 30x 0.00047; 1000 Genomes Project 0.00060; TOPMed 0.00235; gnomAD 0.00364.
gnomAD v4.1: 2,033 of 577,892 alleles (0.35%); highest among the groups gnomAD compares: Non-Finnish European, 0.43%; 7 homozygotes.

Submissions (3):

CeGaT Center for Human Genetics Tuebingen
Classification: Likely benign. Last evaluated: 2023-06-01. Review status: criteria provided, single submitter. Criteria: CeGaT Center For Human Genetics Tuebingen Variant Classification Criteria Version 2. Collection method: clinical testing. Allele origin: germline. Affected: yes. Observed: 11 variant alleles.
Comment: MAP2K2: BS1

GeneDx
Classification: Likely benign. Last evaluated: 2018-06-20. Review status: criteria provided, single submitter. Criteria: GeneDx Variant Classification (06012015). Collection method: clinical testing. Allele origin: germline. Affected: yes.
Comment: This variant is considered likely benign or benign based on one or more of the following criteria: it is a conservative change, it occurs at a poorly conserved position in the protein, it is predicted to be benign by multiple in silico algorithms, and/or has population frequency not consistent with disease.

Breakthrough Genomics
Classification: Likely benign. Review status: criteria provided, single submitter. Criteria: ACMG Guidelines, 2015. Collection method: not provided. Allele origin: germline. Inheritance: Autosomal dominant inheritance. Affected: yes.

NM_030662.4(MAP2K2):c.1047-212G>A

Gene: MAP2K2 (mitogen-activated protein kinase kinase 2; minus strand). Cytogenetic location: 19p13.3.
Variant type: single nucleotide variant.
Coding change: c.1047-212G>A on transcript NM_030662.4 (MANE Select); 212 bases into the intron before coding-DNA position 1047, G replaced by A.
Molecular consequence: intron variant.
Genome position (GRCh38, 1-based): chr19:4,094,710, C>T on the plus strand (G>A on the coding strand, the complement: MAP2K2 is on the minus strand). VCF-style: chr19-4094710-C-T. GRCh37 (hg19) VCF-style: chr19-4094708-C-T.
Identifiers: ClinVar variation 561446 (VCV000561446.29), dbSNP rs559885829, ClinGen allele CA304447214.